The following is an entry in ClinVar:

NM_006531.5(IFT88):c.91G>C (p.Glu31Gln)

Gene: IFT88 (intraflagellar transport 88; plus strand). Cytogenetic location: 13q12.11.
Variant type: single nucleotide variant.
Coding change: c.91G>C on transcript NM_006531.5 (MANE Select); coding-DNA position 91, G replaced by C.
Protein change: p.Glu31Gln; replaces glutamic acid 31 with glutamine.
Molecular consequence: missense variant. On other transcripts: 5 prime UTR variant (1), non-coding transcript variant (5).
Genome position (GRCh38, 1-based): chr13:20,582,957, G>C. VCF-style: chr13-20582957-G-C. GRCh37 (hg19) VCF-style: chr13-21157096-G-C.
Other names: c.91G>C, p.Glu31Gln (NM_001318491.2, NM_001353568.2, NM_001353571.2 and 5 more transcripts); c.118G>C, p.Glu40Gln (NM_001318493.2, NM_001353565.2, NM_001353566.2 and 6 more transcripts); c.-473G>C (NM_001353579.2); short protein forms E40Q, E31Q.
Identifiers: ClinVar variation 4700109 (VCV004700109.1).

ClinVar aggregate classification (germline): Uncertain significance (1 of 4 stars; one submission).

gnomAD v4.1: 2 of 1,610,398 alleles (0.00012%); highest among the groups gnomAD compares: South Asian, 0.0011%; no homozygotes.

Submission:

Labcorp Genetics (formerly Invitae), Labcorp
Classification: Uncertain significance. Last evaluated: 2025-04-02. Review status: criteria provided, single submitter. Criteria: Invitae Variant Classification Sherloc (09022015). Collection method: clinical testing. Allele origin: germline.
Comment: This sequence change replaces glutamic acid, which is acidic and polar, with glutamine, which is neutral and polar, at codon 40 of the IFT88 protein (p.Glu40Gln). This variant is present in population databases (rs773946920, gnomAD 0.007%). This variant has not been reported in the literature in individuals affected with IFT88-related conditions. An algorithm developed to predict the effect of missense changes on protein structure and function (PolyPhen-2) suggests that this variant is likely to be tolerated. In summary, the available evidence is currently insufficient to determine the role of this variant in disease. Therefore, it has been classified as a Variant of Uncertain Significance.